The following is an entry in ClinVar:

ClinVar aggregate classification (germline): Uncertain significance (1 of 4 stars; one submission).

Conditions:
Hypertrophic cardiomyopathy. Also called: HYPERTROPHIC MYOCARDIOPATHY. Identifiers: Orphanet 217569, MedGen C0007194, MeSH D002312, MONDO:0005045, HP:0001639.

Allele frequency attached by ClinVar (database versions not stated): gnomAD exomes below 0.00001; gnomAD 0.00001.

Submission:

Labcorp Genetics (formerly Invitae), Labcorp
Classification: Uncertain significance for Hypertrophic cardiomyopathy. Last evaluated: 2020-01-31. Review status: criteria provided, single submitter. Criteria: Invitae Variant Classification Sherloc (09022015). Collection method: clinical testing. Allele origin: germline.
Comment: In summary, the available evidence is currently insufficient to determine the role of this variant in disease. Therefore, it has been classified as a Variant of Uncertain Significance. Nucleotide substitutions within the consensus splice site are a relatively common cause of aberrant splicing (PMID: 17576681, 9536098). Algorithms developed to predict the effect of sequence changes on RNA splicing suggest that this variant is not likely to affect RNA splicing, but this prediction has not been confirmed by published transcriptional studies. This variant has not been reported in the literature in individuals with MYOM1-related conditions. This variant is not present in population databases (ExAC no frequency). This sequence change falls in intron 23 of the MYOM1 gene. It does not directly change the encoded amino acid sequence of the MYOM1 protein, but it affects a nucleotide within the consensus splice site of the intron.

Literature cited by the submitters: PubMed 17576681; PubMed 9536098.

NM_003803.4(MYOM1):c.3575+6G>T

Gene: MYOM1 (myomesin 1; minus strand). Cytogenetic location: 18p11.31.
Variant type: single nucleotide variant.
Coding change: c.3575+6G>T on transcript NM_003803.4 (MANE Select); 6 bases into the intron after coding-DNA position 3575, G replaced by T.
Molecular consequence: intron variant.
Genome position (GRCh38, 1-based): chr18:3,102,468, C>A on the plus strand (G>T on the coding strand, the complement: MYOM1 is on the minus strand). VCF-style: chr18-3102468-C-A. GRCh37 (hg19) VCF-style: chr18-3102466-C-A.
Other names: c.3287+6G>T (NM_019856.2).
Identifiers: ClinVar variation 1012005 (VCV001012005.9), dbSNP rs2079391924, ClinGen allele CA987259981.